The following is an entry in ClinVar:

ClinVar aggregate classification (germline): Pathogenic (1 of 4 stars; one submission).

Conditions:
Wilson disease (WND). Also called: Wilson's disease. Identifiers: Orphanet 905, MedGen C0019202, MONDO:0010200, OMIM 277900. Disease mechanism: loss of function.

Submission:

Labcorp Genetics (formerly Invitae), Labcorp
Classification: Pathogenic for Wilson disease. Last evaluated: 2023-09-25. Review status: criteria provided, single submitter. Criteria: Invitae Variant Classification Sherloc (09022015). Collection method: clinical testing. Allele origin: germline.
Comment: This variant is not present in population databases (gnomAD no frequency). For these reasons, this variant has been classified as Pathogenic. This variant disrupts a region of the ATP7B protein in which other variant(s) (p.Arg1459Glyfs*2) have been determined to be pathogenic (PMID: 26799313). This suggests that this is a clinically significant region of the protein, and that variants that disrupt it are likely to be disease-causing. This variant has not been reported in the literature in individuals affected with ATP7B-related conditions. This sequence change creates a premature translational stop signal (p.Tyr1384Glufs*3) in the ATP7B gene. While this is not anticipated to result in nonsense mediated decay, it is expected to disrupt the last 82 amino acid(s) of the ATP7B protein.

Literature cited by the submitters: PubMed 26799313.

NM_000053.4(ATP7B):c.4145_4148dup (p.Tyr1384fs)

Gene: ATP7B (ATPase copper transporting beta; minus strand). Cytogenetic location: 13q14.3.
Variant type: Microsatellite.
Coding change: c.4145_4148dup on transcript NM_000053.4 (MANE Select); coding-DNA positions 4145 to 4148, 4 bases duplicated (AGAG; older notation c.4145_4148dupAGAG).
Protein change: p.Tyr1384fs; shifts the reading frame from tyrosine 1384.
Molecular consequence: frameshift variant.
Genome position (GRCh38, 1-based): chr13:51,935,006-51,935,009, CTCT duplicated on the plus strand (AGAG on the coding strand, the reverse complement: ATP7B is on the minus strand); duplicating any 4 consecutive bases within chr13:51,935,006-51,935,010 gives the same sequence; the c. name uses the placement nearest the transcript's 3' end. VCF-style (leftmost placement, unchanged base first): chr13-51935005-C-CCTCT. GRCh37 (hg19) VCF-style: chr13-52509141-C-CCTCT.
Other names: c.3653_3656dup, p.Tyr1220fs (NM_001406543.1); c.3563_3566dup, p.Tyr1190fs (NM_001406544.1); c.3497_3500dup, p.Tyr1168fs (NM_001406545.1); c.3464_3467dup, p.Tyr1157fs (NM_001406546.1); c.3302_3305dup, p.Tyr1103fs (NM_001406547.1); c.2855_2858dup, p.Tyr954fs (NM_001406548.1); c.3968_3971dup, p.Tyr1325fs (NM_001406524.1); c.3950_3953dup, p.Tyr1319fs (NM_001406525.1); and 21 more; short protein forms Y1220fs, Y1222fs, Y1288fs, Y1306fs, Y1316fs, Y1339fs, Y1352fs, Y1384fs.
Identifiers: ClinVar variation 2763268 (VCV002763268.3), dbSNP rs2547543832, ClinGen allele CA2697551865.
Genomic context (GRCh38, chr13:51,935,005, plus strand): 5'-GTGCACACTGACCTGGGATGCCGTCAGGGGCTTCATGTGGCCATGCGCCTGTGCCTCATA[C>CCTCT]CTCTCCAGGTCAGGCTTCTTATAGCTGGAAAGCAGGAACGCAACAGCATCTGAGCCATTC-3'